The following is an entry in ClinVar:

ClinVar aggregate classification (germline): Pathogenic. Review status: criteria provided, multiple submitters, no conflicts (2 of 4 stars). 4 submissions from 4 submitters: Pathogenic (3). 1 of the submissions does not count toward it. Last evaluated 2024-12-10.

Conditions:
Hereditary spastic paraplegia. Also called: Familial spastic paraparesis. Identifiers: Orphanet 685, MedGen C0037773, MONDO:0019064. Disease mechanism: loss of function.
Hereditary spastic paraplegia 11. Also called: SPASTIC PARAPLEGIA, AUTOSOMAL RECESSIVE, COMPLICATED, WITH THIN CORPUS CALLOSUM; SPASTIC PARAPLEGIA, AUTOSOMAL RECESSIVE, WITH MENTAL IMPAIRMENT AND THIN CORPUS CALLOSUM; Spastic paraplegia, mental retardation and thin corpus callosum; Spastic Paraplegia 11; Nakamura Osame syndrome; Autosomal recessive hereditary spastic paraplegia, mental impairment, and thin corpus callosum. Identifiers: Orphanet 2822, MedGen C1858479, MONDO:0011445, OMIM 604360.

Submissions (4):

Women's Health and Genetics/Laboratory Corporation of America, LabCorp
Classification: Pathogenic for Hereditary spastic paraplegia. Last evaluated: 2024-12-10. Review status: criteria provided, single submitter. Criteria: LabCorp Variant Classification Summary - May 2015. Collection method: clinical testing. Allele origin: germline.
Comment: Variant summary: SPG11 c.2849dupT (p.Leu950Phefs*4) results in a premature termination codon, predicted to cause a truncation of the encoded protein or absence of the protein due to nonsense mediated decay, which are commonly known mechanisms for disease. The variant allele was found at a frequency of 4e-06 in 250932 control chromosomes. c.2849dupT has been reported in the literature in individual(s) affected with Hereditary Spastic Paraplegia, Type 11 (e.g., Wei_2019). The following publication has been ascertained in the context of this evaluation (PMID: 31289639). ClinVar contains an entry for this variant (Variation ID: 41301). Based on the evidence outlined above, the variant was classified as pathogenic.

Labcorp Genetics (formerly Invitae), Labcorp
Classification: Pathogenic for Hereditary spastic paraplegia 11. Last evaluated: 2024-02-17. Review status: criteria provided, single submitter. Criteria: Invitae Variant Classification Sherloc (09022015). Collection method: clinical testing. Allele origin: germline.
Comment: This sequence change creates a premature translational stop signal (p.Leu950Phefs*4) in the SPG11 gene. It is expected to result in an absent or disrupted protein product. Loss-of-function variants in SPG11 are known to be pathogenic (PMID: 19105190, 20110243, 22154821, 26556829). The frequency data for this variant in the population databases is considered unreliable, as metrics indicate poor data quality at this position in the gnomAD database. This premature translational stop signal has been observed in individual(s) with hereditary spastic paraplegia (PMID: 19105190, 31289639). ClinVar contains an entry for this variant (Variation ID: 41301). For these reasons, this variant has been classified as Pathogenic.

GeneDx
Classification: Pathogenic. Last evaluated: 2018-08-10. Review status: criteria provided, single submitter. Criteria: GeneDx Variant Classification (06012015). Collection method: clinical testing. Allele origin: germline. Affected: yes.
Comment: The c.2849dupT variant in the SPG11 gene has been reported previously in the presence of a second SPG11 variant in a family with moderate-to-severe lower limb spasticity, increased reflexes, intellectual disability, axonal neuropathy, and brain abnormalities including thin corpus callosum, periventricular white matter, and cortical atrophy (Denora et al., 2009). The c.2849dupT variant causes a frameshift starting with codon Leucine 950, changes this amino acid to a Phenylalanine residue, and creates a premature Stop codon at position 4 of the new reading frame, denoted p.Leu950PhefsX4. This variant is predicted to cause loss of normal protein function either through protein truncation or nonsense-mediated mRNA decay. The c.2849dupT variant is not observed in large population cohorts (Lek et al., 2016). We interpret c.2849dupT as a pathogenic variant.

GeneReviews
No classification provided. Condition: Hereditary spastic paraplegia 11. Review status: no classification provided. Collection method: literature only. Allele origin: unknown. Not counted in ClinVar's aggregate classification.

Literature cited by the submitters: PubMed 31289639 (cited by Women's Health and Genetics/Laboratory Corporation of America, LabCorp and Labcorp Genetics (formerly Invitae), Labcorp); PubMed 19105190 (cited by Labcorp Genetics (formerly Invitae), Labcorp and GeneReviews); PubMed 20110243 (cited by Labcorp Genetics (formerly Invitae), Labcorp); PubMed 22154821 (cited by Labcorp Genetics (formerly Invitae), Labcorp); PubMed 26556829 (cited by Labcorp Genetics (formerly Invitae), Labcorp); PubMed 20301389 (cited by GeneReviews); NCBI Bookshelf NBK1210 (cited by GeneReviews).

NM_025137.4(SPG11):c.2849dup (p.Leu950fs)

Gene: SPG11 (SPG11 vesicle trafficking associated, spatacsin; minus strand). Cytogenetic location: 15q21.1.
Variant type: Duplication.
Coding change: c.2849dup on transcript NM_025137.4 (MANE Select); coding-DNA position 2849, one base duplicated (T; older notation c.2849dupT).
Protein change: p.Leu950fs; shifts the reading frame from leucine 950.
Molecular consequence: frameshift variant.
Genome position (GRCh38, 1-based): chr15:44,615,552, A duplicated on the plus strand (T on the coding strand, the reverse complement: SPG11 is on the minus strand); the first of 7 consecutive A bases (chr15:44,615,552-44,615,558); duplicating any one gives the same sequence. VCF-style (leftmost placement, unchanged base first): chr15-44615551-C-CA. GRCh37 (hg19) VCF-style: chr15-44907749-C-CA.
Other names: c.2849dupT (NM_025137.3, NM_025137.4); c.2849dup, p.Leu950fs (NM_001160227.2); c.2843dup, p.Leu950Phefs (NM_001411132.1); short protein forms L950fs.
Identifiers: ClinVar variation 41301 (VCV000041301.8), dbSNP rs1470463921, ClinGen allele CA344331.